The following is an entry in ClinVar:

ClinVar aggregate classification (germline): Conflicting classifications of pathogenicity. Review status: criteria provided, conflicting classifications (1 of 4 stars). 4 submissions from 4 submitters: Uncertain significance (1); Likely benign (3). Last evaluated 2026-05-01.

Conditions:
Pyruvate dehydrogenase E3-binding protein deficiency (PDHXD). Also called: E3-Binding Protein (Component X) Deficiency; Lacticacidemia due to PDX1 deficiency; LACTIC ACIDEMIA DUE TO DEFECT IN LIPOYL-CONTAINING COMPONENT X OF THE PYRUVATE DEHYDROGENASE COMPLEX; PYRUVATE HYDROGENASE E3-BINDING PROTEIN DEFICIENCY. Identifiers: Orphanet 255182, MedGen C1855553, MONDO:0009503, OMIM 245349.

Allele frequency attached by ClinVar (database versions not stated): gnomAD exomes 0.00001 and 0.00005; ExAC 0.00002; TOPMed 0.00004; gnomAD 0.00005.
gnomAD v4.1: 72 of 1,613,644 alleles (0.0045%); highest among the groups gnomAD compares: Non-Finnish European, 0.0061%; no homozygotes.

Submissions (4):

CeGaT Center for Human Genetics Tuebingen
Classification: Likely benign. Last evaluated: 2026-05-01. Review status: criteria provided, single submitter. Criteria: CeGaT Center For Human Genetics Tuebingen Variant Classification Criteria Version 2. Collection method: clinical testing. Allele origin: germline. Affected: yes. Observed: 1 variant allele.
Comment: PDHX: BP4, BP7

Labcorp Genetics (formerly Invitae), Labcorp
Classification: Likely benign. Last evaluated: 2026-01-18. Review status: criteria provided, single submitter. Criteria: Invitae Variant Classification Sherloc (09022015). Collection method: clinical testing. Allele origin: germline.

Blueprint Genetics
Classification: Likely benign. Last evaluated: 2023-08-31. Review status: criteria provided, single submitter. Criteria: ACMG Guidelines, 2015. Collection method: clinical testing. Allele origin: germline.

Illumina Laboratory Services, Illumina
Classification: Uncertain significance for Pyruvate dehydrogenase E3-binding protein deficiency. Last evaluated: 2018-01-12. Review status: criteria provided, single submitter. Criteria: ICSL Variant Classification Criteria 13 December 2019. Collection method: clinical testing. Allele origin: germline.

NM_003477.3(PDHX):c.402A>G (p.Glu134=)

Gene: PDHX (pyruvate dehydrogenase complex component X; plus strand). Cytogenetic location: 11p13.
Variant type: single nucleotide variant.
Coding change: c.402A>G on transcript NM_003477.3 (MANE Select); coding-DNA position 402, A replaced by G.
Protein change: p.Glu134=; no amino-acid change (glutamic acid 134 retained).
Molecular consequence: synonymous variant. On other transcripts: intron variant (1).
Genome position (GRCh38, 1-based): chr11:34,957,443, A>G. VCF-style: chr11-34957443-A-G. GRCh37 (hg19) VCF-style: chr11-34978990-A-G.
Other names: c.222A>G, p.Glu74= (NM_001135024.2); c.342+9837A>G (NM_001166158.2).
Identifiers: ClinVar variation 877419 (VCV000877419.11), dbSNP rs768560478, ClinGen allele CA5945861.